The following is an entry in ClinVar:

ClinVar aggregate classification (germline): Likely benign (0 of 4 stars; one submission).

Conditions:
UPK3A-related disorder. Also called: UPK3A-related condition.

Allele frequency attached by ClinVar (database versions not stated): gnomAD exomes 0.00012; ExAC 0.00037; 1000 Genomes Project 0.00100; ESP Exome Variant Server 0.00100; gnomAD 0.00121; 1000 Genomes Project 30x 0.00125; TOPMed 0.00125.
gnomAD v4.1: 371 of 1,610,890 alleles (0.023%); highest among the groups gnomAD compares: African/African-American, 0.46%; no homozygotes.

Submission:

PreventionGenetics, part of Exact Sciences
Classification: Likely benign for UPK3A-related condition. Last evaluated: 2022-05-16. Review status: no assertion criteria provided. Collection method: clinical testing. Allele origin: germline.
Comment: This variant is classified as likely benign based on ACMG/AMP sequence variant interpretation guidelines (Richards et al. 2015 PMID: 25741868, with internal and published modifications).

NM_006953.4(UPK3A):c.447G>C (p.Gln149His)

Gene: UPK3A (uroplakin 3A; plus strand). Cytogenetic location: 22q13.31.
Variant type: single nucleotide variant.
Coding change: c.447G>C on transcript NM_006953.4 (MANE Select); coding-DNA position 447, G replaced by C.
Protein change: p.Gln149His; replaces glutamine 149 with histidine.
Molecular consequence: missense variant. On other transcripts: intron variant (1).
Genome position (GRCh38, 1-based): chr22:45,287,410, G>C. VCF-style: chr22-45287410-G-C. GRCh37 (hg19) VCF-style: chr22-45683291-G-C.
Other names: c.208+1314G>C (NM_001167574.2); short protein forms Q149H.
Identifiers: ClinVar variation 3035875 (VCV003035875.2), dbSNP rs116255517, ClinGen allele CA10284375.